The following is an entry in ClinVar:

ClinVar aggregate classification (germline): Likely benign (1 of 4 stars; one submission).

gnomAD v4.1: 1 of 1,612,486 alleles (0.000062%); highest among the groups gnomAD compares: Middle Eastern, 0.017%; no homozygotes.

Submission:

CeGaT Center for Human Genetics Tuebingen
Classification: Likely benign. Last evaluated: 2024-05-01. Review status: criteria provided, single submitter. Criteria: CeGaT Center For Human Genetics Tuebingen Variant Classification Criteria Version 2. Collection method: clinical testing. Allele origin: germline. Affected: yes. Observed: 1 variant allele.
Comment: CEP63: PM2:Supporting, BP4, BP7

NM_001353108.3(CEP63):c.363A>G (p.Gln121=)

Gene: CEP63 (centrosomal protein 63; plus strand). Cytogenetic location: 3q22.2.
Variant type: single nucleotide variant.
Coding change: c.363A>G on transcript NM_001353108.3 (MANE Select); coding-DNA position 363, A replaced by G.
Protein change: p.Gln121=; no amino-acid change (glutamine 121 retained).
Molecular consequence: synonymous variant. On other transcripts: 5 prime UTR variant (1), non-coding transcript variant (4).
Genome position (GRCh38, 1-based): chr3:134,532,822, A>G. VCF-style: chr3-134532822-A-G. GRCh37 (hg19) VCF-style: chr3-134251664-A-G.
Other names: c.363A>G, p.Gln121= (NM_001042383.2, NM_001042384.2, NM_001042400.3 and 13 more transcripts); c.390A>G, p.Gln130= (NM_001353118.1); c.279A>G, p.Gln93= (NM_001353125.2); c.-1A>G (NM_001353126.2).
Identifiers: ClinVar variation 3239229 (VCV003239229.19), dbSNP rs752832115.
Genomic context (GRCh38, chr3:134,532,822, plus strand): 5'-ATAACTGTTTCTACAGTTATGCATACTGAAGAGAAGCTATGAAAAGCTTCAGAAAAAGCA[A>G]ATGAGGGAATTCAGAGGAAATACCAAAAATCACAGGGAAGATCGGTCTGAAATTGAGAGG-3'
Protein context (NP_001340037.1, residues 111-131): KRSYEKLQKK[Gln121=]MREFRGNTKN